The following is an entry in ClinVar:

ClinVar aggregate classification (germline): Uncertain significance. Review status: criteria provided, multiple submitters, no conflicts (2 of 4 stars). 2 submissions from 2 submitters: Uncertain significance (2). Last evaluated 2025-10-13.

Conditions:
Tumor predisposition syndrome 3 (TPDS3). Also called: Glioma susceptibility 9; LONG TELOMERE SYNDROME, POT1-RELATED; POT1 Tumor Predisposition; Melanoma, cutaneous malignant, susceptibility to, 10. Identifiers: Orphanet 618, MedGen C4014476, MONDO:0014368, OMIM 615848.
Hereditary cancer-predisposing syndrome. Also called: Tumor predisposition; Neoplastic Syndromes, Hereditary; Hereditary Cancer Syndrome; Hereditary neoplastic syndrome. Identifiers: Orphanet 140162, MedGen C0027672, MeSH D009386, MONDO:0015356.

Allele frequency attached by ClinVar (database versions not stated): gnomAD exomes below 0.00001; gnomAD 0.00001; TOPMed 0.00001.
gnomAD v4.1: 3 of 1,597,232 alleles (0.00019%); highest among the groups gnomAD compares: African/African-American, 0.004%; no homozygotes.

Submissions (2):

Ambry Genetics
Classification: Uncertain significance for Hereditary cancer-predisposing syndrome. Last evaluated: 2025-10-13. Review status: criteria provided, single submitter. Criteria: Ambry Variant Classification Scheme 2023. Collection method: clinical testing. Allele origin: germline.
Comment: The p.V541M variant (also known as c.1621G>A), located in coding exon 13 of the POT1 gene, results from a G to A substitution at nucleotide position 1621. The valine at codon 541 is replaced by methionine, an amino acid with highly similar properties. This amino acid position is highly conserved in available vertebrate species. In addition, this alteration is predicted to be tolerated by in silico analysis. Since supporting evidence is limited at this time, the clinical significance of this alteration remains unclear.

Labcorp Genetics (formerly Invitae), Labcorp
Classification: Uncertain significance for Tumor predisposition syndrome 3. Last evaluated: 2024-02-28. Review status: criteria provided, single submitter. Criteria: Invitae Variant Classification Sherloc (09022015). Collection method: clinical testing. Allele origin: germline.
Comment: This sequence change replaces valine, which is neutral and non-polar, with methionine, which is neutral and non-polar, at codon 541 of the POT1 protein (p.Val541Met). The frequency data for this variant in the population databases is considered unreliable, as metrics indicate poor data quality at this position in the gnomAD database. This variant has not been reported in the literature in individuals affected with POT1-related conditions. ClinVar contains an entry for this variant (Variation ID: 1776618). Advanced modeling of protein sequence and biophysical properties (such as structural, functional, and spatial information, amino acid conservation, physicochemical variation, residue mobility, and thermodynamic stability) performed at Invitae indicates that this missense variant is not expected to disrupt POT1 protein function with a negative predictive value of 80%. In summary, the available evidence is currently insufficient to determine the role of this variant in disease. Therefore, it has been classified as a Variant of Uncertain Significance.

NM_015450.3(POT1):c.1621G>A (p.Val541Met)

Gene: POT1 (protection of telomeres 1; minus strand). Cytogenetic location: 7q31.33.
Variant type: single nucleotide variant.
Coding change: c.1621G>A on transcript NM_015450.3 (MANE Select); coding-DNA position 1621, G replaced by A.
Protein change: p.Val541Met; replaces valine 541 with methionine.
Molecular consequence: missense variant. On other transcripts: non-coding transcript variant (3).
Genome position (GRCh38, 1-based): chr7:124,827,279, C>T on the plus strand (G>A on the coding strand, the complement: POT1 is on the minus strand). VCF-style: chr7-124827279-C-T. GRCh37 (hg19) VCF-style: chr7-124467333-C-T.
Other names: c.1228G>A, p.Val410Met (NM_001042594.2); short protein forms V410M, V541M.
Identifiers: ClinVar variation 1776618 (VCV001776618.8), dbSNP rs1486490053, ClinGen allele CA369063173.